The following is an entry in ClinVar:

NM_005033.3(EXOSC9):c.1174_1175del (p.Ser392fs)

Gene: EXOSC9 (exosome component 9; plus strand). Cytogenetic location: 4q27.
Variant type: Microsatellite.
Coding change: c.1174_1175del on transcript NM_005033.3 (MANE Select); coding-DNA positions 1174 to 1175, 2 bases deleted (TC; older notation c.1174_1175delTC).
Protein change: p.Ser392fs; shifts the reading frame from serine 392.
Molecular consequence: frameshift variant.
Genome position (GRCh38, 1-based): chr4:121,816,386-121,816,387, TC deleted; deleting any 2 consecutive bases within chr4:121,816,383-121,816,387 gives the same sequence; the c. name uses the placement nearest the transcript's 3' end. VCF-style (leftmost placement, unchanged base first): chr4-121816382-ACT-A. GRCh37 (hg19) VCF-style: chr4-122737537-ACT-A.
Other names: c.1225_1226del, p.Ser409fs (NM_001034194.2); short protein forms S409fs, S392fs.
Identifiers: ClinVar variation 2112278 (VCV002112278.4), dbSNP rs763457015, ClinGen allele CA3063676.

ClinVar aggregate classification (germline): Pathogenic (1 of 4 stars; one submission).

Submission:

Labcorp Genetics (formerly Invitae), Labcorp
Classification: Pathogenic. Last evaluated: 2023-07-21. Review status: criteria provided, single submitter. Criteria: Invitae Variant Classification Sherloc (09022015). Collection method: clinical testing. Allele origin: germline.
Comment: Algorithms developed to predict the effect of sequence changes on RNA splicing suggest that this variant may disrupt the consensus splice site. This sequence change creates a premature translational stop signal (p.Ser409Argfs*2) in the EXOSC9 gene. It is expected to result in an absent or disrupted protein product. Loss-of-function variants in EXOSC9 are known to be pathogenic (PMID: 29727687, 33040083). This variant is not present in population databases (gnomAD no frequency). This variant has not been reported in the literature in individuals affected with EXOSC9-related conditions. For these reasons, this variant has been classified as Pathogenic.

Literature cited by the submitters: PubMed 29727687; PubMed 33040083.